The following is an entry in ClinVar:

ClinVar aggregate classification (germline): Uncertain significance. Review status: criteria provided, multiple submitters, no conflicts (2 of 4 stars). 4 submissions from 4 submitters: Uncertain significance (3). 1 of the submissions does not count toward it. Last evaluated 2025-09-26.

Conditions:
Usher syndrome type 1 (USH1). Also called: RETINITIS PIGMENTOSA AND CONGENITAL DEAFNESS. Identifiers: Orphanet 231169, Orphanet 886, MedGen C1568247, MONDO:0010168, OMIM 276900.
Inborn genetic diseases. Identifiers: MedGen C0950123, MeSH D030342.

Allele frequency attached by ClinVar (database versions not stated): gnomAD exomes 0.00003 and 0.00002; ExAC 0.00006; gnomAD 0.00001 and 0.00002; 1000 Genomes Project 30x 0.00016; 1000 Genomes Project 0.00020; TOPMed 0.00002.
gnomAD v4.1: 29 of 1,613,938 alleles (0.0018%); highest among the groups gnomAD compares: South Asian, 0.0077%; no homozygotes.

Submissions (4):

Ambry Genetics
Classification: Uncertain significance for Inborn genetic diseases. Last evaluated: 2025-09-26. Review status: criteria provided, single submitter. Criteria: Ambry Variant Classification Scheme 2023. Collection method: clinical testing. Allele origin: germline.

Labcorp Genetics (formerly Invitae), Labcorp
Classification: Uncertain significance. Last evaluated: 2022-08-09. Review status: criteria provided, single submitter. Criteria: Invitae Variant Classification Sherloc (09022015). Collection method: clinical testing. Allele origin: germline.
Comment: This sequence change replaces valine, which is neutral and non-polar, with isoleucine, which is neutral and non-polar, at codon 3047 of the CDH23 protein (p.Val3047Ile). This variant is present in population databases (rs558094423, gnomAD 0.006%). This variant has not been reported in the literature in individuals affected with CDH23-related conditions. ClinVar contains an entry for this variant (Variation ID: 1026023). Algorithms developed to predict the effect of missense changes on protein structure and function are either unavailable or do not agree on the potential impact of this missense change (SIFT: "Deleterious"; PolyPhen-2: "Not Available"; Align-GVGD: "Class C0"). In summary, the available evidence is currently insufficient to determine the role of this variant in disease. Therefore, it has been classified as a Variant of Uncertain Significance.

Mendelics
Classification: Uncertain significance. Last evaluated: 2022-05-04. Review status: criteria provided, single submitter. Criteria: Mendelics Assertion Criteria 2019. Collection method: clinical testing. Allele origin: germline.

Natera, Inc.
Classification: Uncertain significance for Usher syndrome type 1. Last evaluated: 2020-06-18. Review status: no assertion criteria provided. Collection method: clinical testing. Allele origin: germline. Not counted in ClinVar's aggregate classification.

NM_022124.6(CDH23):c.9139G>A (p.Val3047Ile)

Gene: CDH23 (cadherin related 23; plus strand). Cytogenetic location: 10q22.1.
Variant type: single nucleotide variant.
Coding change: c.9139G>A on transcript NM_022124.6 (MANE Select); coding-DNA position 9139, G replaced by A.
Protein change: p.Val3047Ile; replaces valine 3047 with isoleucine.
Molecular consequence: missense variant.
Genome position (GRCh38, 1-based): chr10:71,811,376, G>A. VCF-style: chr10-71811376-G-A. GRCh37 (hg19) VCF-style: chr10-73571133-G-A.
Other names: c.2419G>A, p.Val807Ile (NM_001171933.1, NM_001171934.1); c.9139G>A (NM_022124.5); short protein forms V3047I, V807I.
Identifiers: ClinVar variation 1026023 (VCV001026023.5), dbSNP rs558094423, ClinGen allele CA5546893.